The following is an entry in ClinVar:

NM_144670.6(A2ML1):c.31G>A (p.Ala11Thr)

Genes: A2ML1 (alpha-2-macroglobulin like 1; plus strand), A2ML1-AS1 (A2ML1 antisense RNA 1; minus strand). Cytogenetic location: 12p13.31.
Variant type: single nucleotide variant.
Coding change: c.31G>A on transcript NM_144670.6 (MANE Select); coding-DNA position 31, G replaced by A.
Protein change: p.Ala11Thr; replaces alanine 11 with threonine.
Molecular consequence: missense variant.
Genome position (GRCh38, 1-based): chr12:8,822,682, G>A. VCF-style: chr12-8822682-G-A. GRCh37 (hg19) VCF-style: chr12-8975278-G-A.
Other names: short protein forms A11T.
Identifiers: ClinVar variation 3713292 (VCV003713292.2).

ClinVar aggregate classification (germline): Uncertain significance (1 of 4 stars; one submission).

gnomAD v4.1: 2 of 1,614,154 alleles (0.00012%); highest among the groups gnomAD compares: African/African-American, 0.0027%; no homozygotes.

Submission:

Labcorp Genetics (formerly Invitae), Labcorp
Classification: Uncertain significance. Last evaluated: 2024-07-06. Review status: criteria provided, single submitter. Criteria: Invitae Variant Classification Sherloc (09022015). Collection method: clinical testing. Allele origin: germline.
Comment: This sequence change replaces alanine, which is neutral and non-polar, with threonine, which is neutral and polar, at codon 11 of the A2ML1 protein (p.Ala11Thr). This variant is present in population databases (no rsID available, gnomAD 0.007%). This variant has not been reported in the literature in individuals affected with A2ML1-related conditions. Algorithms developed to predict the effect of missense changes on protein structure and function output the following: SIFT: "Not Available"; PolyPhen-2: "Benign"; Align-GVGD: "Not Available". The threonine amino acid residue is found in multiple mammalian species, which suggests that this missense change does not adversely affect protein function. In summary, the available evidence is currently insufficient to determine the role of this variant in disease. Therefore, it has been classified as a Variant of Uncertain Significance.